The following is an entry in ClinVar:

ClinVar aggregate classification (germline): Uncertain significance (1 of 4 stars; one submission).

Submission:

Ambry Genetics
Classification: Uncertain significance. Last evaluated: 2025-03-01. Review status: criteria provided, single submitter. Criteria: Ambry Variant Classification Scheme 2023. Collection method: clinical testing. Allele origin: germline.
Comment: The p.C16Y variant (also known as c.47G>A), located in coding exon 1 of the RAD51B gene, results from a G to A substitution at nucleotide position 47. The cysteine at codon 16 is replaced by tyrosine, an amino acid with highly dissimilar properties. This amino acid position is conserved. In addition, this alteration is predicted to be deleterious by in silico analysis. Based on the available evidence, the clinical significance of this variant remains unclear.

NM_133510.4(RAD51B):c.47G>A (p.Cys16Tyr)

Gene: RAD51B (RAD51 paralog B; plus strand). Cytogenetic location: 14q24.1.
Variant type: single nucleotide variant.
Coding change: c.47G>A on transcript NM_133510.4 (MANE Select); coding-DNA position 47, G replaced by A.
Protein change: p.Cys16Tyr; replaces cysteine 16 with tyrosine.
Molecular consequence: missense variant. On other transcripts: 5 prime UTR variant (1).
Genome position (GRCh38, 1-based): chr14:67,823,590, G>A. VCF-style: chr14-67823590-G-A. GRCh37 (hg19) VCF-style: chr14-68290307-G-A.
Other names: c.47G>A, p.Cys16Tyr (NM_001321809.2, NM_001321810.2, NM_001321812.1 and 6 more transcripts); c.-409G>A (NM_001321817.2); short protein forms C16Y.
Identifiers: ClinVar variation 3786470 (VCV003786470.1).